The following is an entry in ClinVar:

NM_005159.5(ACTC1):c.835A>G (p.Thr279Ala)

Genes: ACTC1 (actin alpha cardiac muscle 1; minus strand), GJD2-DT (GJD2 divergent transcript; plus strand). Cytogenetic location: 15q14.
Variant type: single nucleotide variant.
Coding change: c.835A>G on transcript NM_005159.5 (MANE Select); coding-DNA position 835, A replaced by G.
Protein change: p.Thr279Ala; replaces threonine 279 with alanine.
Molecular consequence: missense variant.
Genome position (GRCh38, 1-based): chr15:34,791,269, T>C on the plus strand (A>G on the coding strand, the complement: ACTC1 is on the minus strand). VCF-style: chr15-34791269-T-C. GRCh37 (hg19) VCF-style: chr15-35083470-T-C.
Other names: c.835A>G, p.Thr279Ala (NM_001406482.1, NM_001406483.1); c.700A>G, p.Thr234Ala (NM_001406484.1); c.394A>G, p.Thr132Ala (NM_001406485.1); short protein forms T132A, T234A, T279A.
Identifiers: ClinVar variation 3386882 (VCV003386882.1).

ClinVar aggregate classification (germline): Uncertain significance (1 of 4 stars; one submission).

Conditions:
Hypertrophic cardiomyopathy. Also called: HYPERTROPHIC MYOCARDIOPATHY. Identifiers: Orphanet 217569, MedGen C0007194, MeSH D002312, MONDO:0005045, HP:0001639.

Submission:

All of Us Research Program, National Institutes of Health
Classification: Uncertain significance for Hypertrophic cardiomyopathy. Last evaluated: 2024-03-05. Review status: criteria provided, single submitter. Criteria: ACMG Guidelines, 2015. Collection method: clinical testing. Allele origin: germline. Inheritance: Autosomal dominant inheritance. Observed: 1 variant allele, 1 heterozygote.
Comment: This study involves interpretation of variants in research participants for the purpose of population health screening. Participant phenotype was not available at the time of variant classification. Additional details can be found in publication PMID: 35346344, PMCID: PMC8962531